The following is an entry in ClinVar:

ClinVar aggregate classification (germline): Uncertain significance (1 of 4 stars; one submission).

Allele frequency attached by ClinVar (database versions not stated): ExAC 0.00002.
gnomAD v4.1: 6 of 1,601,970 alleles (0.00037%); highest among the groups gnomAD compares: Admixed American, 0.0085%; no homozygotes.

Submission:

Labcorp Genetics (formerly Invitae), Labcorp
Classification: Uncertain significance. Last evaluated: 2023-02-17. Review status: criteria provided, single submitter. Criteria: Invitae Variant Classification Sherloc (09022015). Collection method: clinical testing. Allele origin: germline.
Comment: This variant has not been reported in the literature in individuals affected with EPOR-related conditions. The frequency data for this variant in the population databases is considered unreliable, as metrics indicate poor data quality at this position in the gnomAD database. This sequence change replaces threonine, which is neutral and polar, with methionine, which is neutral and non-polar, at codon 244 of the EPOR protein (p.Thr244Met). An algorithm developed to predict the effect of missense changes on protein structure and function (PolyPhen-2) suggests that this variant is likely to be disruptive. In summary, the available evidence is currently insufficient to determine the role of this variant in disease. Therefore, it has been classified as a Variant of Uncertain Significance.

NM_000121.4(EPOR):c.731C>T (p.Thr244Met)

Gene: EPOR (erythropoietin receptor; minus strand). Cytogenetic location: 19p13.2.
Variant type: single nucleotide variant.
Coding change: c.731C>T on transcript NM_000121.4 (MANE Select); coding-DNA position 731, C replaced by T.
Protein change: p.Thr244Met; replaces threonine 244 with methionine.
Molecular consequence: missense variant. On other transcripts: non-coding transcript variant (1).
Genome position (GRCh38, 1-based): chr19:11,381,064, G>A on the plus strand (C>T on the coding strand, the complement: EPOR is on the minus strand). VCF-style: chr19-11381064-G-A. GRCh37 (hg19) VCF-style: chr19-11491740-G-A.
Other names: short protein forms T244M.
Identifiers: ClinVar variation 2974918 (VCV002974918.3), dbSNP rs764244373, ClinGen allele CA9210671.